The following is an entry in ClinVar:

NM_145207.3(AFG2A):c.2321G>A (p.Arg774His)

Gene: AFG2A (AFG2 AAA ATPase homolog A; plus strand). Cytogenetic location: 4q28.1.
Variant type: single nucleotide variant.
Coding change: c.2321G>A on transcript NM_145207.3 (MANE Select); coding-DNA position 2321, G replaced by A.
Protein change: p.Arg774His; replaces arginine 774 with histidine.
Molecular consequence: missense variant.
Genome position (GRCh38, 1-based): chr4:123,090,686, G>A. VCF-style: chr4-123090686-G-A. GRCh37 (hg19) VCF-style: chr4-124011841-G-A.
Other names: c.2318G>A, p.Arg773His (NM_001345856.2); short protein forms R774H, R773H.
Identifiers: ClinVar variation 475726 (VCV000475726.8), dbSNP rs539850739, ClinGen allele CA3070702.
Genomic context (GRCh38, chr4:123,090,686, plus strand): 5'-TAACAGAAATGGATGGGATTGAACAGCTAAAGGATGTGACCATTTTGGCAGCTACTAACC[G>A]TCCAGATAGGATAGACAAGGTAAGAGAGAAGGCATTGTGGATATTATAAAATCAAGAACT-3'
Protein context (NP_660208.2, residues 764-784): KDVTILAATN[Arg774His]PDRIDKALMR

ClinVar aggregate classification (germline): Conflicting classifications of pathogenicity. Review status: criteria provided, conflicting classifications (1 of 4 stars). 3 submissions from 3 submitters: Likely pathogenic (1); Uncertain significance (2). Last evaluated 2023-08-01.

Conditions:
Syndromic complex neurodevelopmental disorder. Identifiers: MedGen CN372091, MONDO:0800439.
Microcephaly-intellectual disability-sensorineural hearing loss-epilepsy-abnormal muscle tone syndrome (NEDHSB). Also called: NEURODEVELOPMENTAL DISORDER WITH HEARING LOSS, SEIZURES, AND BRAIN ABNORMALITIES. Identifiers: Orphanet 457351, MedGen C4225276, MONDO:0014698, OMIM 616577.

Allele frequency attached by ClinVar (database versions not stated): gnomAD exomes below 0.00001 and 0.00002; ExAC 0.00001; gnomAD 0.00001; TOPMed 0.00001.
gnomAD v4.1: 29 of 1,613,820 alleles (0.0018%); highest among the groups gnomAD compares: East Asian, 0.0022%; no homozygotes.

Submissions (3):

Department of Pathology and Laboratory Medicine, Sinai Health System
Classification: Uncertain significance for syndromic complex neurodevelopmental disorder. Last evaluated: 2023-08-01. Review status: criteria provided, single submitter. Criteria: ACMG Guidelines, 2015. Collection method: research. Allele origin: germline.

Institute of Medical Genetics and Applied Genomics, University Hospital Tübingen
Classification: Likely pathogenic for Microcephaly-intellectual disability-sensorineural hearing loss-epilepsy-abnormal muscle tone syndrome. Last evaluated: 2022-03-09. Review status: criteria provided, single submitter. Criteria: ACMG Guidelines, 2015. Collection method: clinical testing. Allele origin: germline. Inheritance: Autosomal recessive inheritance. Affected: yes.

Labcorp Genetics (formerly Invitae), Labcorp
Classification: Uncertain significance for Microcephaly-intellectual disability-sensorineural hearing loss-epilepsy-abnormal muscle tone syndrome. Last evaluated: 2021-09-01. Review status: criteria provided, single submitter. Criteria: Invitae Variant Classification Sherloc (09022015). Collection method: clinical testing. Allele origin: germline.
Comment: This sequence change replaces arginine with histidine at codon 774 of the SPATA5 protein (p.Arg774His). The arginine residue is highly conserved and there is a small physicochemical difference between arginine and histidine. This variant is present in population databases (rs539850739, ExAC 0.001%). This variant has not been reported in the literature in individuals affected with SPATA5-related conditions. Algorithms developed to predict the effect of missense changes on protein structure and function are either unavailable or do not agree on the potential impact of this missense change (SIFT: "Deleterious"; PolyPhen-2: "Benign"; Align-GVGD: "Class C0"). In summary, the available evidence is currently insufficient to determine the role of this variant in disease. Therefore, it has been classified as a Variant of Uncertain Significance.